The following is an entry in ClinVar:

NM_025114.4(CEP290):c.4412G>A (p.Arg1471Gln)

Gene: CEP290 (centrosomal protein 290; minus strand). Cytogenetic location: 12q21.32.
Variant type: single nucleotide variant.
Coding change: c.4412G>A on transcript NM_025114.4 (MANE Select); coding-DNA position 4412, G replaced by A.
Protein change: p.Arg1471Gln; replaces arginine 1471 with glutamine.
Molecular consequence: missense variant.
Genome position (GRCh38, 1-based): chr12:88,086,064, C>T on the plus strand (G>A on the coding strand, the complement: CEP290 is on the minus strand). VCF-style: chr12-88086064-C-T. GRCh37 (hg19) VCF-style: chr12-88479841-C-T.
Other names: short protein forms R1471Q.
Identifiers: ClinVar variation 4991240 (VCV004991240.1).

ClinVar aggregate classification (germline): Uncertain significance (1 of 4 stars; one submission).

Conditions:
CEP290-related disorder. Also called: CEP290-related condition; CEP290-related disorders. Identifiers: MedGen CN239314.

gnomAD v4.1: 8 of 1,611,210 alleles (0.0005%); highest among the groups gnomAD compares: South Asian, 0.0044%; no homozygotes.

Submission:

PreventionGenetics, part of Exact Sciences
Classification: Uncertain significance for CEP290-related condition. Last evaluated: 2025-09-11. Review status: criteria provided, single submitter. Criteria: ACMG Guidelines, 2015. Collection method: clinical testing. Allele origin: germline.
Comment: The CEP290 c.4412G>A variant is predicted to result in the amino acid substitution p.Arg1471Gln. To our knowledge, this variant has not been reported in the literature. This variant is reported in 0.0% of alleles in individuals of African descent in gnomAD. At this time, the clinical significance of this variant is uncertain due to the absence of conclusive functional and genetic evidence.